The following is an entry in ClinVar:

ClinVar aggregate classification (germline): Likely benign. Review status: criteria provided, single submitter (1 of 4 stars). 2 submissions from 2 submitters: Likely benign (1). 1 of the submissions does not count toward it. Last evaluated 2022-06-23.

Conditions:
CDAN1-related disorder. Also called: CDAN1-related condition.

Allele frequency attached by ClinVar (database versions not stated): TOPMed below 0.00001; gnomAD 0.00001; gnomAD exomes 0.00001.
gnomAD v4.1: 11 of 1,552,366 alleles (0.00071%); highest among the groups gnomAD compares: Non-Finnish European, 0.00096%; no homozygotes.

Submissions (2):

Blueprint Genetics
Classification: Likely benign. Last evaluated: 2022-06-23. Review status: criteria provided, single submitter. Criteria: ACMG Guidelines, 2015. Collection method: clinical testing. Allele origin: germline.

PreventionGenetics, part of Exact Sciences
Classification: Likely benign for CDAN1-related condition. Last evaluated: 2022-10-25. Review status: no assertion criteria provided. Collection method: clinical testing. Allele origin: germline. Not counted in ClinVar's aggregate classification.
Comment: This variant is classified as likely benign based on ACMG/AMP sequence variant interpretation guidelines (Richards et al. 2015 PMID: 25741868, with internal and published modifications).

NM_138477.4(CDAN1):c.3591T>C (p.Asn1197=)

Gene: CDAN1 (codanin 1; minus strand). Cytogenetic location: 15q15.2.
Variant type: single nucleotide variant.
Coding change: c.3591T>C on transcript NM_138477.4 (MANE Select); coding-DNA position 3591, T replaced by C.
Protein change: p.Asn1197=; no amino-acid change (asparagine 1197 retained).
Molecular consequence: synonymous variant.
Genome position (GRCh38, 1-based): chr15:42,724,584, A>G on the plus strand (T>C on the coding strand, the complement: CDAN1 is on the minus strand). VCF-style: chr15-42724584-A-G. GRCh37 (hg19) VCF-style: chr15-43016782-A-G.
Identifiers: ClinVar variation 3048338 (VCV003048338.3), dbSNP rs745737650, ClinGen allele CA7515080.